The following is an entry in ClinVar:

NM_006885.4(ZFHX3):c.2667C>T (p.Ser889=)

Gene: ZFHX3 (zinc finger homeobox 3; minus strand). Cytogenetic location: 16q22.3.
Variant type: single nucleotide variant.
Coding change: c.2667C>T on transcript NM_006885.4 (MANE Select); coding-DNA position 2667, C replaced by T.
Protein change: p.Ser889=; no amino-acid change (serine 889 retained).
Molecular consequence: synonymous variant. On other transcripts: intron variant (1).
Genome position (GRCh38, 1-based): chr16:72,957,479, G>A on the plus strand (C>T on the coding strand, the complement: ZFHX3 is on the minus strand). VCF-style: chr16-72957479-G-A. GRCh37 (hg19) VCF-style: chr16-72991378-G-A.
Other names: c.-23-6514C>T (NM_001164766.2); c.2667C>T (NM_006885.3).
Identifiers: ClinVar variation 808096 (VCV000808096.36), dbSNP rs147131884, ClinGen allele CA8164354.

ClinVar aggregate classification (germline): Likely benign. Review status: criteria provided, single submitter (1 of 4 stars). 2 submissions from 2 submitters: Likely benign (1). 1 of the submissions does not count toward it. Last evaluated 2026-01-01.

Conditions:
ZFHX3-related disorder. Also called: ZFHX3-related condition.

Allele frequency attached by ClinVar (database versions not stated): TOPMed 0.00065; ESP Exome Variant Server 0.00069; gnomAD exomes 0.00071 and 0.00099; gnomAD 0.00074 and 0.00076; ExAC 0.00079.
gnomAD v4.1: 1,543 of 1,613,956 alleles (0.096%); highest among the groups gnomAD compares: Non-Finnish European, 0.12%; 1 homozygote.

Submissions (2):

CeGaT Center for Human Genetics Tuebingen
Classification: Likely benign. Last evaluated: 2026-01-01. Review status: criteria provided, single submitter. Criteria: CeGaT Center For Human Genetics Tuebingen Variant Classification Criteria Version 2. Collection method: clinical testing. Allele origin: germline. Affected: yes. Observed: 3 variant alleles.
Comment: ZFHX3: BP4, BP7

PreventionGenetics, part of Exact Sciences
Classification: Likely benign for ZFHX3-related condition. Last evaluated: 2019-09-18. Review status: no assertion criteria provided. Collection method: clinical testing. Allele origin: germline. Not counted in ClinVar's aggregate classification.
Comment: This variant is classified as likely benign based on ACMG/AMP sequence variant interpretation guidelines (Richards et al. 2015 PMID: 25741868, with internal and published modifications).